The following is an entry in ClinVar:

ClinVar aggregate classification (germline): Uncertain significance. Review status: criteria provided, multiple submitters, no conflicts (2 of 4 stars). 4 submissions from 4 submitters: Uncertain significance (4). Last evaluated 2022-06-27.

Conditions:
Autosomal recessive ataxia, Beauce type. Also called: Spinocerebellar ataxia, autosomal recessive 8; ATAXIA, RECESSIVE, OF BEAUCE; SYNE1 Deficiency; SYNE1-Related Autosomal Recessive Cerebellar Ataxia. Identifiers: Orphanet 88644, MedGen C1853116, MONDO:0012549, OMIM 610743.
Emery-Dreifuss muscular dystrophy 4, autosomal dominant (EDMD4). Also called: EMERY-DREIFUSS MUSCULAR DYSTROPHY 4 WITH VARIABLE FEATURES. Identifiers: Orphanet 261, MedGen C2751807, MONDO:0013071, OMIM 612998.

Allele frequency attached by ClinVar (database versions not stated): gnomAD exomes below 0.00001 and 0.00001; ExAC 0.00001; gnomAD 0.00015 and 0.00016; 1000 Genomes Project 30x 0.00016; 1000 Genomes Project 0.00020; TOPMed 0.00023.
gnomAD v4.1: 50 of 1,613,996 alleles (0.0031%); highest among the groups gnomAD compares: Admixed American, 0.04%; no homozygotes.

Submissions (4):

Labcorp Genetics (formerly Invitae), Labcorp
Classification: Uncertain significance for Emery-Dreifuss muscular dystrophy 4, autosomal dominant; Autosomal recessive ataxia, Beauce type. Last evaluated: 2022-06-27. Review status: criteria provided, single submitter. Criteria: Invitae Variant Classification Sherloc (09022015). Collection method: clinical testing. Allele origin: germline.
Comment: This sequence change replaces methionine, which is neutral and non-polar, with valine, which is neutral and non-polar, at codon 6495 of the SYNE1 protein (p.Met6495Val). This variant is present in population databases (rs541395341, gnomAD 0.003%). This variant has not been reported in the literature in individuals affected with SYNE1-related conditions. ClinVar contains an entry for this variant (Variation ID: 596641). Algorithms developed to predict the effect of missense changes on protein structure and function are either unavailable or do not agree on the potential impact of this missense change (SIFT: "Deleterious"; PolyPhen-2: "Benign"; Align-GVGD: "Class C15"). In summary, the available evidence is currently insufficient to determine the role of this variant in disease. Therefore, it has been classified as a Variant of Uncertain Significance.

GeneDx
Classification: Uncertain significance. Last evaluated: 2020-10-14. Review status: criteria provided, single submitter. Criteria: GeneDx Variant Classification Process June 2021. Collection method: clinical testing. Allele origin: germline. Affected: yes.
Comment: Not observed at a significant frequency in large population cohorts (Lek et al., 2016); In silico analysis supports that this missense variant does not alter protein structure/function; Has not been previously published as pathogenic or benign to our knowledge

Revvity Omics, Revvity
Classification: Uncertain significance. Last evaluated: 2019-10-14. Review status: criteria provided, single submitter. Criteria: ACMG Guidelines, 2015. Collection method: clinical testing. Allele origin: germline.

Eurofins Ntd Llc (ga)
Classification: Uncertain significance. Last evaluated: 2018-03-23. Review status: criteria provided, single submitter. Criteria: EGL ClinVar v180209 classification definitions. Collection method: clinical testing. Allele origin: germline. Observed: 1 variant allele, 1 heterozygote.

NM_182961.4(SYNE1):c.19696A>G (p.Met6566Val)

Gene: SYNE1 (spectrin repeat containing nuclear envelope protein 1; minus strand). Cytogenetic location: 6q25.2.
Variant type: single nucleotide variant.
Coding change: c.19696A>G on transcript NM_182961.4 (MANE Select); coding-DNA position 19696, A replaced by G.
Protein change: p.Met6566Val; replaces methionine 6566 with valine.
Molecular consequence: missense variant.
Genome position (GRCh38, 1-based): chr6:152,242,437, T>C on the plus strand (A>G on the coding strand, the complement: SYNE1 is on the minus strand). VCF-style: chr6-152242437-T-C. GRCh37 (hg19) VCF-style: chr6-152563572-T-C.
Other names: c.19483A>G, p.Met6495Val (NM_033071.5); short protein forms M6566V, M6495V.
Identifiers: ClinVar variation 596641 (VCV000596641.11), dbSNP rs541395341, ClinGen allele CA4054589.